The following is an entry in ClinVar:

ClinVar aggregate classification (germline): Uncertain significance (1 of 4 stars; one submission).

Conditions:
Combined immunodeficiency due to DOCK8 deficiency (HIES2). Also called: Hyper-IgE recurrent infection syndrome, autosomal recessive; HIES autosomal recessive; DOCK8 Deficiency; HYPER-IgE RECURRENT INFECTION SYNDROME 2, AUTOSOMAL RECESSIVE; HYPER-IgE SYNDROME 2, AUTOSOMAL RECESSIVE, WITH RECURRENT INFECTIONS. Identifiers: Orphanet 217390, MedGen C4722305, MONDO:0009478, OMIM 243700.

Allele frequency attached by ClinVar (database versions not stated): gnomAD exomes below 0.00001; gnomAD 0.00001; TOPMed 0.00001.
gnomAD v4.1: 2 of 1,613,956 alleles (0.00012%); highest among the groups gnomAD compares: Non-Finnish European, 0.00017%; no homozygotes.

Submission:

Labcorp Genetics (formerly Invitae), Labcorp
Classification: Uncertain significance for Combined immunodeficiency due to DOCK8 deficiency. Last evaluated: 2024-12-16. Review status: criteria provided, single submitter. Criteria: Invitae Variant Classification Sherloc (09022015). Collection method: clinical testing. Allele origin: germline.
Comment: This sequence change replaces leucine, which is neutral and non-polar, with valine, which is neutral and non-polar, at codon 2095 of the DOCK8 protein (p.Leu2095Val). This variant is present in population databases (no rsID available, gnomAD 0.01%). This variant has not been reported in the literature in individuals affected with DOCK8-related conditions. ClinVar contains an entry for this variant (Variation ID: 1363679). An algorithm developed to predict the effect of missense changes on protein structure and function (PolyPhen-2) suggests that this variant is likely to be tolerated. In summary, the available evidence is currently insufficient to determine the role of this variant in disease. Therefore, it has been classified as a Variant of Uncertain Significance.

NM_203447.4(DOCK8):c.6283T>G (p.Leu2095Val)

Gene: DOCK8 (dedicator of cytokinesis 8; plus strand). Cytogenetic location: 9p24.3.
Variant type: single nucleotide variant.
Coding change: c.6283T>G on transcript NM_203447.4 (MANE Select); coding-DNA position 6283, T replaced by G.
Protein change: p.Leu2095Val; replaces leucine 2095 with valine.
Molecular consequence: missense variant.
Genome position (GRCh38, 1-based): chr9:464,202, T>G. VCF-style: chr9-464202-T-G. GRCh37 (hg19) VCF-style: chr9-464202-T-G.
Other names: c.5983T>G, p.Leu1995Val (NM_001190458.2); c.6079T>G, p.Leu2027Val (NM_001193536.2); short protein forms L2095V, L2027V, L1995V.
Identifiers: ClinVar variation 1363679 (VCV001363679.8), dbSNP rs1273669876, ClinGen allele CA372752006.